The following is an entry in ClinVar:

NM_012073.5(CCT5):c.426_427inv (p.Val143Ile)

Gene: CCT5 (chaperonin containing TCP1 subunit 5; plus strand). Cytogenetic location: 5p15.2.
Variant type: Inversion.
Coding change: c.426_427inv on transcript NM_012073.5 (MANE Select).
Protein change: p.Val143Ile; replaces valine 143 with isoleucine.
Molecular consequence: missense variant.
Genome position: GRCh38 VCF-style: chr5-10256049-TG-CA. GRCh37 (hg19) VCF-style: chr5-10256161-TG-CA.
Other names: c.426_427delinsCA (NM_012073.3); c.363_364inv, p.Val122Ile (NM_001306153.1); c.261_262inv, p.Val88Ile (NM_001306154.2); c.147_148inv, p.Val50Ile (NM_001306155.2); c.312_313inv, p.Val105Ile (NM_001306156.2); short protein forms V143I, V105I, V88I, V122I, V50I.
Identifiers: ClinVar variation 657209 (VCV000657209.10), ClinGen allele CA915943236.

ClinVar aggregate classification (germline): Uncertain significance (1 of 4 stars; one submission).

Conditions:
Hereditary sensory and autonomic neuropathy with spastic paraplegia (HSNSP). Identifiers: Orphanet 139578, MedGen C1850395, MONDO:0009748, OMIM 256840.

Submission:

Labcorp Genetics (formerly Invitae), Labcorp
Classification: Uncertain significance for Hereditary sensory and autonomic neuropathy with spastic paraplegia. Last evaluated: 2026-01-25. Review status: criteria provided, single submitter. Criteria: Invitae Variant Classification Sherloc (09022015). Collection method: clinical testing. Allele origin: germline.
Comment: This sequence change replaces valine, which is neutral and non-polar, with isoleucine, which is neutral and non-polar, at codon 143 of the CCT5 protein (p.Val143Ile). Information on the frequency of this variant in the gnomAD database is not available, as this variant may be reported differently in the database. This variant has not been reported in the literature in individuals affected with CCT5-related conditions. ClinVar contains an entry for this variant (Variation ID: 657209). Experimental studies and prediction algorithms are not available or were not evaluated, and the functional significance of this variant is currently unknown. In summary, the available evidence is currently insufficient to determine the role of this variant in disease. Therefore, it has been classified as a Variant of Uncertain Significance.